The following is an entry in ClinVar:

ClinVar aggregate classification (germline): Likely benign (1 of 4 stars; one submission).

gnomAD v4.1: 15 of 1,613,932 alleles (0.00093%); highest among the groups gnomAD compares: Admixed American, 0.022%; no homozygotes.

Submission:

CeGaT Center for Human Genetics Tuebingen
Classification: Likely benign. Last evaluated: 2025-09-01. Review status: criteria provided, single submitter. Criteria: CeGaT Center For Human Genetics Tuebingen Variant Classification Criteria Version 2. Collection method: clinical testing. Allele origin: germline. Affected: yes. Observed: 1 variant allele.
Comment: TRANK1: BP4, BP7

NM_001329998.2(TRANK1):c.7692G>T (p.Val2564=)

Gene: TRANK1 (tetratricopeptide repeat and ankyrin repeat containing 1; minus strand). Cytogenetic location: 3p22.2.
Variant type: single nucleotide variant.
Coding change: c.7692G>T on transcript NM_001329998.2 (MANE Select); coding-DNA position 7692, G replaced by T.
Protein change: p.Val2564=; no amino-acid change (valine 2564 retained).
Molecular consequence: synonymous variant.
Genome position (GRCh38, 1-based): chr3:36,831,891, C>A on the plus strand (G>T on the coding strand, the complement: TRANK1 is on the minus strand). VCF-style: chr3-36831891-C-A. GRCh37 (hg19) VCF-style: chr3-36873382-C-A.
Other names: c.7560G>T, p.Val2520= (NM_014831.3).
Identifiers: ClinVar variation 4281330 (VCV004281330.7).